The following is an entry in ClinVar:

ClinVar aggregate classification (germline): Uncertain significance (1 of 4 stars; one submission).

Submission:

GeneDx
Classification: Uncertain significance. Last evaluated: 2026-08-20. Review status: criteria provided, single submitter. Criteria: GeneDx Variant Classification Process June 2021. Collection method: clinical testing. Allele origin: germline.
Comment: Not observed at significant frequency in large population cohorts (gnomAD); In silico analysis supports that this missense variant has a deleterious effect on protein structure/function; Has not been previously published as pathogenic or benign to our knowledge

NM_018896.5(CACNA1G):c.2994G>C (p.Lys998Asn)

Gene: CACNA1G (calcium voltage-gated channel subunit alpha1 G; plus strand). Cytogenetic location: 17q21.33.
Variant type: single nucleotide variant.
Coding change: c.2994G>C on transcript NM_018896.5 (MANE Select); coding-DNA position 2994, G replaced by C.
Protein change: p.Lys998Asn; replaces lysine 998 with asparagine.
Molecular consequence: missense variant. On other transcripts: non-coding transcript variant (5).
Genome position (GRCh38, 1-based): chr17:50,596,576, G>C. VCF-style: chr17-50596576-G-C. GRCh37 (hg19) VCF-style: chr17-48673937-G-C.
Other names: c.2925G>C, p.Lys975Asn (NM_198388.3, NM_198396.3, NM_198387.3 and 5 more transcripts); c.2994G>C, p.Lys998Asn (NM_198384.3, NM_198385.3, NM_198386.3 and 16 more transcripts); short protein forms K975N, K998N.
Identifiers: ClinVar variation 3372066 (VCV003372066.2).